The following is an entry in ClinVar:

NM_138713.4(NFAT5):c.1717G>T (p.Val573Leu)

Gene: NFAT5 (nuclear factor of activated T cells 5; plus strand). Cytogenetic location: 16q22.1.
Variant type: single nucleotide variant.
Coding change: c.1717G>T on transcript NM_138713.4 (MANE Select); coding-DNA position 1717, G replaced by T.
Protein change: p.Val573Leu; replaces valine 573 with leucine.
Molecular consequence: missense variant.
Genome position (GRCh38, 1-based): chr16:69,684,913, G>T. VCF-style: chr16-69684913-G-T. GRCh37 (hg19) VCF-style: chr16-69718816-G-T.
Other names: c.1435G>T, p.Val479Leu (NM_173214.3, NM_173215.3, NM_138714.4); c.1717G>T (NM_138713.3); c.1714G>T, p.Val572Leu (NM_001113178.3); c.1042G>T, p.Val348Leu (NM_001367709.1); c.1663G>T, p.Val555Leu (NM_006599.4); short protein forms V555L, V573L, V479L, V572L, V348L.
Identifiers: ClinVar variation 2870359 (VCV002870359.4), dbSNP rs1456793859, ClinGen allele CA396502240.
Genomic context (GRCh38, chr16:69,684,913, plus strand): 5'-ATGTAGATAAATACATTAATCTTTTTTTTAATAGCAGCAGCTGGTGCTTTGAATGTAAAT[G>T]TGAAGAAGGAAATATCTAGTCCAGCAAGACCTTGCTCTTTTGAAGAGGCCATGAAAGGTA-3'
Protein context (NP_619727.2, residues 563-583): PAAAGALNVN[Val573Leu]KKEISSPARP

ClinVar aggregate classification (germline): Uncertain significance. Review status: criteria provided, multiple submitters, no conflicts (2 of 4 stars). 2 submissions from 2 submitters: Uncertain significance (2). Last evaluated 2024-03-01.

Conditions:
Immunodeficiency. Identifiers: MedGen C0021051, MONDO:0021094, HP:0002721.

Allele frequency attached by ClinVar (database versions not stated): TOPMed below 0.00001.

Submissions (2):

Ambry Genetics
Classification: Uncertain significance. Last evaluated: 2024-03-01. Review status: criteria provided, single submitter. Criteria: Ambry Variant Classification Scheme 2023. Collection method: clinical testing. Allele origin: germline.

Labcorp Genetics (formerly Invitae), Labcorp
Classification: Uncertain significance for Immunodeficiency. Last evaluated: 2024-01-07. Review status: criteria provided, single submitter. Criteria: Invitae Variant Classification Sherloc (09022015). Collection method: clinical testing. Allele origin: germline.
Comment: This sequence change replaces valine, which is neutral and non-polar, with leucine, which is neutral and non-polar, at codon 479 of the NFAT5 protein (p.Val479Leu). This variant is not present in population databases (gnomAD no frequency). This variant has not been reported in the literature in individuals affected with NFAT5-related conditions. An algorithm developed to predict the effect of missense changes on protein structure and function (PolyPhen-2) suggests that this variant is likely to be disruptive. In summary, the available evidence is currently insufficient to determine the role of this variant in disease. Therefore, it has been classified as a Variant of Uncertain Significance.